The following is an entry in ClinVar:

NM_017433.5(MYO3A):c.3937C>A (p.Arg1313Ser)

Gene: MYO3A (myosin IIIA; plus strand). Cytogenetic location: 10p12.1.
Variant type: single nucleotide variant.
Coding change: c.3937C>A on transcript NM_017433.5 (MANE Select); coding-DNA position 3937, C replaced by A.
Protein change: p.Arg1313Ser; replaces arginine 1313 with serine.
Molecular consequence: missense variant.
Genome position (GRCh38, 1-based): chr10:26,174,201, C>A. VCF-style: chr10-26174201-C-A. GRCh37 (hg19) VCF-style: chr10-26463130-C-A.
Other names: short protein forms R1313S.
Identifiers: ClinVar variation 45811 (VCV000045811.23), dbSNP rs1999240, ClinGen allele CA137083.

ClinVar aggregate classification (germline): Benign. Review status: criteria provided, multiple submitters, no conflicts (2 of 4 stars). 10 submissions from 10 submitters: Benign (10). Last evaluated 2026-02-04.

Conditions:
Autosomal recessive nonsyndromic hearing loss 30. Identifiers: Orphanet 90636, MedGen C1846784, MONDO:0011774, OMIM 607101.

Allele frequency attached by ClinVar (database versions not stated): ESP Exome Variant Server 0.56274; TOPMed 0.57643; ExAC 0.59868; 1000 Genomes Project 30x 0.60072; 1000 Genomes Project 0.60104; gnomAD exomes 0.60118.
gnomAD v4.1: 947,820 of 1,613,926 alleles (59%); highest among the groups gnomAD compares: East Asian, 67%; 279,409 homozygotes.

Submissions (10):

Labcorp Genetics (formerly Invitae), Labcorp
Classification: Benign. Last evaluated: 2026-02-04. Review status: criteria provided, single submitter. Criteria: Invitae Variant Classification Sherloc (09022015). Collection method: clinical testing. Allele origin: germline.

Blueprint Genetics
Classification: Benign. Last evaluated: 2024-11-27. Review status: criteria provided, single submitter. Criteria: ACMG Guidelines, 2015. Collection method: clinical testing. Allele origin: germline.

Genome-Nilou Lab
Classification: Benign for Autosomal recessive nonsyndromic hearing loss 30. Last evaluated: 2021-09-05. Review status: criteria provided, single submitter. Criteria: ACMG Guidelines, 2015. Collection method: clinical testing. Allele origin: germline. Affected: no.

Mayo Clinic Laboratories, Mayo Clinic
Classification: Benign. Last evaluated: 2020-08-26. Review status: criteria provided, single submitter. Criteria: ACMG Guidelines, 2015. Collection method: clinical testing. Allele origin: germline. Observed: 135 variant alleles.

Mendelics
Classification: Benign for Autosomal recessive nonsyndromic hearing loss 30. Last evaluated: 2019-05-28. Review status: criteria provided, single submitter. Criteria: Mendelics Assertion Criteria 2017. Collection method: clinical testing. Allele origin: unknown.

Illumina Laboratory Services, Illumina
Classification: Benign for Autosomal recessive nonsyndromic hearing loss 30. Last evaluated: 2018-01-13. Review status: criteria provided, single submitter. Criteria: ICSL Variant Classification Criteria 13 December 2019. Collection method: clinical testing. Allele origin: germline.
Comment: This variant was observed in the ICSL laboratory as part of a predisposition screen in an ostensibly healthy population. It had not been previously curated by ICSL or reported in the Human Gene Mutation Database (HGMD: prior to June 1st, 2018), and was therefore a candidate for classification through an automated scoring system. Utilizing variant allele frequency, disease prevalence and penetrance estimates, and inheritance mode, an automated score was calculated to assess if this variant is too frequent to cause the disease. Based on the score and internal cut-off values, a variant classified as benign is not then subjected to further curation. The score for this variant resulted in a classification of benign for this disease.

GeneDx
Classification: Benign. Last evaluated: 2017-05-09. Review status: criteria provided, single submitter. Criteria: GeneDx Variant Classification (06012015). Collection method: clinical testing. Allele origin: germline. Affected: yes.
Comment: This variant is considered likely benign or benign based on one or more of the following criteria: it is a conservative change, it occurs at a poorly conserved position in the protein, it is predicted to be benign by multiple in silico algorithms, and/or has population frequency not consistent with disease.

Laboratory for Molecular Medicine, Mass General Brigham Personalized Medicine
Classification: Benign. Last evaluated: 2012-05-07. Review status: criteria provided, single submitter. Criteria: LMM Criteria. Collection method: clinical testing. Allele origin: germline. Observed: 1,352 variant alleles.
Comment: Arg1313Ser in Exon 30 of MYO3A: This variant is not expected to have clinical si gnificance because it has been identified in 45.8% (1712/3738) of African Americ an chromosomes from a broad population by the NHLBI Exome Sequencing Project (dbSNP rs1999240).

Breakthrough Genomics
Classification: Benign. Review status: criteria provided, single submitter. Criteria: ACMG Guidelines, 2015. Collection method: not provided. Allele origin: germline. Inheritance: Autosomal recessive inheritance. Affected: yes.

PreventionGenetics, part of Exact Sciences
Classification: Benign. Review status: criteria provided, single submitter. Criteria: ACMG Guidelines, 2015. Collection method: clinical testing. Allele origin: germline.